The following is an entry in ClinVar:

ClinVar aggregate classification (germline): Uncertain significance. Review status: criteria provided, multiple submitters, no conflicts (2 of 4 stars). 2 submissions from 2 submitters: Uncertain significance (2). Last evaluated 2026-08-06.

Conditions:
Inborn genetic diseases. Identifiers: MedGen C0950123, MeSH D030342.
Snijders Blok-Campeau syndrome. Also called: INTELLECTUAL DEVELOPMENTAL DISORDER WITH MACROCEPHALY, SPEECH DELAY, AND DYSMORPHIC FACIES. Identifiers: Orphanet 599082, MedGen C4748701, MONDO:0032600, OMIM 618205.

gnomAD v4.1: 16 of 1,240,710 alleles (0.0013%); highest among the groups gnomAD compares: African/African-American, 0.016%; no homozygotes.

Submissions (2):

OLLIN Analises Genomicas, OLLIN
Classification: Uncertain significance for Snijders Blok-Campeau syndrome. Last evaluated: 2026-08-06. Review status: criteria provided, single submitter. Criteria: ACMG Guidelines 2015 PMID 25741868. Collection method: clinical testing. Allele origin: germline. Inheritance: Autosomal dominant inheritance.
Comment: This variant, has been reported in ClinVar (accession VCV002266876.3) and in gnomAD with an allele frequency of 0.0013%. However, to our knowledge, it has not been reported in the scientific literature. This gene is constrained for missense variation. According to the currently available evidence, this variant has been classified as uncertain significance (PP2, BP4).

Ambry Genetics
Classification: Uncertain significance for Inborn genetic diseases. Last evaluated: 2024-07-31. Review status: criteria provided, single submitter. Criteria: Ambry Variant Classification Scheme 2023. Collection method: clinical testing. Allele origin: germline.

NM_001005271.3(CHD3):c.199C>T (p.Pro67Ser)

Genes: CHD3 (chromodomain helicase DNA binding protein 3; plus strand), NAA38 (N-alpha-acetyltransferase 38, NatC auxiliary subunit; minus strand). Cytogenetic location: 17p13.1.
Variant type: single nucleotide variant.
Coding change: c.199C>T on transcript NM_001005271.3; coding-DNA position 199, C replaced by T.
Protein change: p.Pro67Ser; replaces proline 67 with serine.
Molecular consequence: missense variant. On other transcripts: intron variant (1).
Genome position (GRCh38, 1-based): chr17:7,885,005, C>T. VCF-style: chr17-7885005-C-T. GRCh37 (hg19) VCF-style: chr17-7788323-C-T.
Other names: c.199C>T, p.Pro67Ser (NM_001437504.1, NM_001437507.1, NM_001437508.1 and 1 more transcripts); c.-167+160G>A (NM_001330111.2); short protein forms P67S.
Identifiers: ClinVar variation 2266876 (VCV002266876.4), dbSNP rs935201217, ClinGen allele CA287549073.